The following is an entry in ClinVar:

NM_006415.4(SPTLC1):c.883A>T (p.Ile295Phe)

Gene: SPTLC1 (serine palmitoyltransferase long chain base subunit 1; minus strand). Cytogenetic location: 9q22.31.
Variant type: single nucleotide variant.
Coding change: c.883A>T on transcript NM_006415.4 (MANE Select); coding-DNA position 883, A replaced by T.
Protein change: p.Ile295Phe; replaces isoleucine 295 with phenylalanine.
Molecular consequence: missense variant.
Genome position (GRCh38, 1-based): chr9:92,049,965, T>A on the plus strand (A>T on the coding strand, the complement: SPTLC1 is on the minus strand). VCF-style: chr9-92049965-T-A. GRCh37 (hg19) VCF-style: chr9-94812247-T-A.
Other names: c.883A>T, p.Ile295Phe (NM_001281303.2); c.517A>T, p.Ile173Phe (NM_001368272.1); c.418A>T, p.Ile140Phe (NM_001368273.1); short protein forms I140F, I173F, I295F.
Identifiers: ClinVar variation 3369335 (VCV003369335.1).

ClinVar aggregate classification (germline): Uncertain significance (1 of 4 stars; one submission).

Submission:

GeneDx
Classification: Uncertain significance. Last evaluated: 2024-04-25. Review status: criteria provided, single submitter. Criteria: GeneDx Variant Classification Process June 2021. Collection method: clinical testing. Allele origin: germline. Affected: yes.
Comment: Not observed at significant frequency in large population cohorts (gnomAD); In silico analysis supports that this missense variant has a deleterious effect on protein structure/function; Has not been previously published as pathogenic or benign to our knowledge